The following is an entry in ClinVar:

NM_199334.5(THRA):c.431G>A (p.Arg144Gln)

Gene: THRA (thyroid hormone receptor alpha; plus strand). Cytogenetic location: 17q21.1.
Variant type: single nucleotide variant.
Coding change: c.431G>A on transcript NM_199334.5 (MANE Select); coding-DNA position 431, G replaced by A.
Protein change: p.Arg144Gln; replaces arginine 144 with glutamine.
Molecular consequence: missense variant.
Genome position (GRCh38, 1-based): chr17:40,084,670, G>A. VCF-style: chr17-40084670-G-A. GRCh37 (hg19) VCF-style: chr17-38240923-G-A.
Other names: c.431G>A, p.Arg144Gln (NM_001190918.2, NM_001190919.2, NM_003250.6); short protein forms R144Q.
Identifiers: ClinVar variation 3251483 (VCV003251483.1), dbSNP rs550708358.
Genomic context (GRCh38, chr17:40,084,670, plus strand): 5'-TGGTTCTAGATGACTCGAAGCGGGTGGCCAAGCGTAAGCTGATTGAGCAGAACCGGGAGC[G>A]GCGGCGGAAGGAGGAGATGATCCGATCACTGCAGCAGCGACCAGAGCCCACTCCTGAAGA-3'
Protein context (NP_955366.1, residues 134-154): KRKLIEQNRE[Arg144Gln]RRKEEMIRSL

ClinVar aggregate classification (germline): Uncertain significance (1 of 4 stars; one submission).

Allele frequency attached by ClinVar (database versions not stated): gnomAD 0.00001; gnomAD exomes 0.00001; TOPMed 0.00001; 1000 Genomes Project 30x 0.00016; 1000 Genomes Project 0.00020.
gnomAD v4.1: 5 of 1,614,056 alleles (0.00031%); highest among the groups gnomAD compares: East Asian, 0.0022%; no homozygotes.

Submission:

Women's Health and Genetics/Laboratory Corporation of America, LabCorp
Classification: Uncertain significance. Last evaluated: 2024-04-05. Review status: criteria provided, single submitter. Criteria: LabCorp Variant Classification Summary - May 2015. Collection method: clinical testing. Allele origin: germline.
Comment: Variant summary: THRA c.431G>A (p.Arg144Gln) results in a conservative amino acid change located in the Zinc finger, nuclear hormone receptor-type domain (IPR001628) of the encoded protein sequence. Three of five in-silico tools predict a damaging effect of the variant on protein function. The variant allele was found at a frequency of 1.2e-05 in 251314 control chromosomes. The available data on variant occurrences in the general population are insufficient to allow any conclusion about variant significance. To our knowledge, no occurrence of c.431G>A in individuals affected with Congenital Nongoitrous Hypothryoidism 6 and no experimental evidence demonstrating its impact on protein function have been reported. No submitters have cited clinical-significance assessments for this variant to ClinVar. Based on the evidence outlined above, the variant was classified as uncertain significance.